The following is an entry in ClinVar:

NM_014363.6(SACS):c.346-3T>A

Gene: SACS (sacsin molecular chaperone; minus strand). Cytogenetic location: 13q12.12.
Variant type: single nucleotide variant.
Coding change: c.346-3T>A on transcript NM_014363.6 (MANE Select); 3 bases into the intron before coding-DNA position 346, T replaced by A.
Molecular consequence: intron variant.
Genome position (GRCh38, 1-based): chr13:23,365,280, A>T on the plus strand (T>A on the coding strand, the complement: SACS is on the minus strand). VCF-style: chr13-23365280-A-T. GRCh37 (hg19) VCF-style: chr13-23939419-A-T.
Other names: p.?; c.-96-3T>A (NM_001278055.2).
Identifiers: ClinVar variation 411688 (VCV000411688.4), dbSNP rs186506382, ClinGen allele CA6912110.
Genomic context (GRCh38, chr13:23,365,280, plus strand): 5'-CATCATATAAAAATTTAACTTCTGTCGCCCCAGCATCTTCTGCATTCTGAATTAATTCCT[A>T]ACCAAAAAATATACCAAAAAATAGTAATTAATAACACAGTAATCTACTGCTCATCTTTGT-3'

ClinVar aggregate classification (germline): Conflicting classifications of pathogenicity. Review status: criteria provided, conflicting classifications (1 of 4 stars). 3 submissions from 3 submitters: Uncertain significance (1); Likely benign (1). 1 of the submissions does not count toward it. Last evaluated 2025-10-08.

Conditions:
Charlevoix-Saguenay spastic ataxia (SACS). Also called: AUTOSOMAL RECESSIVE SPASTIC ATAXIA OF CHARLEVOIX-SAGUENAY; SPASTIC ATAXIA 6, AUTOSOMAL RECESSIVE; Spastic ataxia of Charlevoix-Saguenay. Identifiers: Orphanet 98, MedGen C1849140, MONDO:0010041, OMIM 270550.
Spastic paraplegia. Identifiers: MedGen C0037772, HP:0001258.

Allele frequency attached by ClinVar (database versions not stated): 1000 Genomes Project 0.00020; gnomAD 0.00004; TOPMed 0.00004; ExAC 0.00007; 1000 Genomes Project 30x 0.00016.
gnomAD v4.1: 26 of 1,558,106 alleles (0.0017%); highest among the groups gnomAD compares: Admixed American, 0.014%; no homozygotes.

Submissions (3):

Mayo Clinic Laboratories, Mayo Clinic
Classification: Likely benign. Last evaluated: 2025-10-08. Review status: criteria provided, single submitter. Criteria: ACMG Guidelines, 2015. Collection method: clinical testing. Allele origin: germline. Observed: 1 variant allele.
Comment: BP4, BP7

Labcorp Genetics (formerly Invitae), Labcorp
Classification: Uncertain significance for Spastic paraplegia. Last evaluated: 2022-04-16. Review status: criteria provided, single submitter. Criteria: Invitae Variant Classification Sherloc (09022015). Collection method: clinical testing. Allele origin: germline.
Comment: This sequence change falls in intron 5 of the SACS gene. It does not directly change the encoded amino acid sequence of the SACS protein. It affects a nucleotide within the consensus splice site. This variant is present in population databases (rs186506382, gnomAD 0.04%). This variant has not been reported in the literature in individuals affected with SACS-related conditions. ClinVar contains an entry for this variant (Variation ID: 411688). Variants that disrupt the consensus splice site are a relatively common cause of aberrant splicing (PMID: 17576681, 9536098). Algorithms developed to predict the effect of sequence changes on RNA splicing suggest that this variant is not likely to affect RNA splicing. In summary, the available evidence is currently insufficient to determine the role of this variant in disease. Therefore, it has been classified as a Variant of Uncertain Significance.

Natera, Inc.
Classification: Uncertain significance for Charlevoix-Saguenay type spastic ataxia. Last evaluated: 2019-11-11. Review status: no assertion criteria provided. Collection method: clinical testing. Allele origin: germline. Not counted in ClinVar's aggregate classification.

Literature cited by the submitters: PubMed 17576681 (cited by Labcorp Genetics (formerly Invitae), Labcorp); PubMed 9536098 (cited by Labcorp Genetics (formerly Invitae), Labcorp).